The following is an entry in ClinVar:

ClinVar aggregate classification (germline): Likely benign. Review status: criteria provided, multiple submitters, no conflicts (2 of 4 stars). 3 submissions from 3 submitters: Likely benign (2). 1 of the submissions does not count toward it. Last evaluated 2018-05-15.

Conditions:
BIRC6-related disorder. Also called: BIRC6-related condition.

Allele frequency attached by ClinVar (database versions not stated): 1000 Genomes Project 0.00120; 1000 Genomes Project 30x 0.00156; gnomAD 0.00249 and 0.00259; TOPMed 0.00263; ESP Exome Variant Server 0.00277; gnomAD exomes 0.00292 and 0.00351; ExAC 0.00300.
gnomAD v4.1: 5,517 of 1,614,004 alleles (0.34%); highest among the groups gnomAD compares: Non-Finnish European, 0.38%; 15 homozygotes.

Submissions (3):

Labcorp Genetics (formerly Invitae), Labcorp
Classification: Likely benign. Last evaluated: 2018-05-15. Review status: criteria provided, single submitter. Criteria: Invitae Variant Classification Sherloc (09022015). Collection method: clinical testing. Allele origin: germline.

Breakthrough Genomics
Classification: Likely benign. Review status: criteria provided, single submitter. Criteria: ACMG Guidelines, 2015. Collection method: not provided. Allele origin: germline. Inheritance: Unknown mechanism. Affected: yes.

PreventionGenetics, part of Exact Sciences
Classification: Benign for BIRC6-related condition. Last evaluated: 2019-02-20. Review status: no assertion criteria provided. Collection method: clinical testing. Allele origin: germline. Not counted in ClinVar's aggregate classification.
Comment: This variant is classified as benign based on ACMG/AMP sequence variant interpretation guidelines (Richards et al. 2015 PMID: 25741868, with internal and published modifications).

NM_016252.4(BIRC6):c.1679A>C (p.His560Pro)

Gene: BIRC6 (baculoviral IAP repeat containing 6; plus strand). Cytogenetic location: 2p22.3.
Variant type: single nucleotide variant.
Coding change: c.1679A>C on transcript NM_016252.4 (MANE Select); coding-DNA position 1679, A replaced by C.
Protein change: p.His560Pro; replaces histidine 560 with proline.
Molecular consequence: missense variant.
Genome position (GRCh38, 1-based): chr2:32,414,970, A>C. VCF-style: chr2-32414970-A-C. GRCh37 (hg19) VCF-style: chr2-32640038-A-C.
Other names: c.1595A>C, p.His532Pro (NM_001378125.1); short protein forms H560P, H532P.
Identifiers: ClinVar variation 717018 (VCV000717018.6), dbSNP rs150426823, ClinGen allele CA1602820.
Genomic context (GRCh38, chr2:32,414,970, plus strand): 5'-CAAATCCTTGTTTAACAAACTCTAAGAGTGAAAAGACAAAGGAAAAGCACCAGGAGCAAC[A>C]CAACATTCCTTTTCCATGTTTATTAGCTGGAGGTTTATTAACATATAAATCTCCTGCTAC-3'
Protein context (NP_057336.3, residues 550-570): EKTKEKHQEQ[His560Pro]NIPFPCLLAG